The following is an entry in ClinVar:

NM_032578.4(MYPN):c.3206G>T (p.Arg1069Leu)

Gene: MYPN (myopalladin; plus strand). Cytogenetic location: 10q21.3.
Variant type: single nucleotide variant.
Coding change: c.3206G>T on transcript NM_032578.4 (MANE Select); coding-DNA position 3206, G replaced by T.
Protein change: p.Arg1069Leu; replaces arginine 1069 with leucine.
Molecular consequence: missense variant. On other transcripts: non-coding transcript variant (2).
Genome position (GRCh38, 1-based): chr10:68,197,399, G>T. VCF-style: chr10-68197399-G-T. GRCh37 (hg19) VCF-style: chr10-69957156-G-T.
Other names: c.3206G>T, p.Arg1069Leu (NM_001256267.2); c.2324G>T, p.Arg775Leu (NM_001256268.2); short protein forms R1069L, R775L.
Identifiers: ClinVar variation 1357344 (VCV001357344.8), dbSNP rs763362861, ClinGen allele CA376858310.

ClinVar aggregate classification (germline): Uncertain significance (1 of 4 stars; one submission).

Conditions:
Dilated cardiomyopathy 1KK (CMD1KK). Identifiers: Orphanet 154, Orphanet 75249, MedGen C3714995, MONDO:0014100, OMIM 615248.

Submission:

Labcorp Genetics (formerly Invitae), Labcorp
Classification: Uncertain significance for Dilated cardiomyopathy 1KK. Last evaluated: 2022-08-16. Review status: criteria provided, single submitter. Criteria: Invitae Variant Classification Sherloc (09022015). Collection method: clinical testing. Allele origin: germline.
Comment: ClinVar contains an entry for this variant (Variation ID: 1357344). This variant has not been reported in the literature in individuals affected with MYPN-related conditions. This variant is not present in population databases (gnomAD no frequency). This sequence change replaces arginine, which is basic and polar, with leucine, which is neutral and non-polar, at codon 1069 of the MYPN protein (p.Arg1069Leu). In summary, the available evidence is currently insufficient to determine the role of this variant in disease. Therefore, it has been classified as a Variant of Uncertain Significance. Algorithms developed to predict the effect of missense changes on protein structure and function (SIFT, PolyPhen-2, Align-GVGD) all suggest that this variant is likely to be disruptive.